The following is an entry in ClinVar:

NM_001261826.3(AP3D1):c.1399C>T (p.His467Tyr)

Gene: AP3D1 (adaptor related protein complex 3 subunit delta 1; minus strand). Cytogenetic location: 19p13.3.
Variant type: single nucleotide variant.
Coding change: c.1399C>T on transcript NM_001261826.3 (MANE Select); coding-DNA position 1399, C replaced by T.
Protein change: p.His467Tyr; replaces histidine 467 with tyrosine.
Molecular consequence: missense variant.
Genome position (GRCh38, 1-based): chr19:2,120,944, G>A on the plus strand (C>T on the coding strand, the complement: AP3D1 is on the minus strand). VCF-style: chr19-2120944-G-A. GRCh37 (hg19) VCF-style: chr19-2120943-G-A.
Other names: c.1399C>T, p.His467Tyr (NM_001374799.1, NM_003938.8); short protein forms H467Y.
Identifiers: ClinVar variation 2040466 (VCV002040466.4), dbSNP rs2512172080, ClinGen allele CA403223178.

ClinVar aggregate classification (germline): Uncertain significance (1 of 4 stars; one submission).

Submission:

Labcorp Genetics (formerly Invitae), Labcorp
Classification: Uncertain significance. Last evaluated: 2021-12-12. Review status: criteria provided, single submitter. Criteria: Invitae Variant Classification Sherloc (09022015). Collection method: clinical testing. Allele origin: germline.
Comment: This sequence change replaces histidine, which is basic and polar, with tyrosine, which is neutral and polar, at codon 467 of the AP3D1 protein (p.His467Tyr). This variant is not present in population databases (gnomAD no frequency). This variant has not been reported in the literature in individuals affected with AP3D1-related conditions. Algorithms developed to predict the effect of missense changes on protein structure and function are either unavailable or do not agree on the potential impact of this missense change (SIFT: "Deleterious"; PolyPhen-2: "Benign"; Align-GVGD: "Class C0"). In summary, the available evidence is currently insufficient to determine the role of this variant in disease. Therefore, it has been classified as a Variant of Uncertain Significance.